The following is an entry in ClinVar:

ClinVar aggregate classification (germline): Pathogenic. Review status: criteria provided, multiple submitters, no conflicts (2 of 4 stars). 3 submissions from 3 submitters: Pathogenic (2). 1 of the submissions does not count toward it. Last evaluated 2025-08-01.

Conditions:
Intellectual developmental disorder, autosomal dominant 29. Also called: SETBP1 Haploinsufficiency Disorder; Intellectual disability, autosomal dominant 29. Identifiers: Orphanet 436151, MedGen C4015141, MONDO:0014482, OMIM 616078.
Inborn genetic diseases. Identifiers: MedGen C0950123, MeSH D030342.

Submissions (3):

Ambry Genetics
Classification: Pathogenic for Inborn genetic diseases. Last evaluated: 2025-08-01. Review status: criteria provided, single submitter. Criteria: Ambry Variant Classification Scheme 2023. Collection method: clinical testing. Allele origin: germline.
Comment: The c.2425C>T (p.Q809*) alteration, located in exon 4 (coding exon 3) of the SETBP1 gene, consists of a C to T substitution at nucleotide position 2425. This changes the amino acid from a glutamine (Q) to a stop codon at amino acid position 809. This alteration is expected to result in loss of function by premature protein truncation or nonsense-mediated mRNA decay. for SETBP1-related neurodevelopmental disorder; however, its clinical significance for Schinzel-Giedion syndrome is uncertain. This variant was not reported in population-based cohorts in the Genome Aggregation Database (gnomAD). This variant was reported in individual(s) with features consistent with SETBP1-related neurodevelopmental disorder (Wei, 2025). Based on the available evidence, this alteration is classified as pathogenic.

Institute of Human Genetics Munich, TUM University Hospital
Classification: Pathogenic for Intellectual developmental disorder, autosomal dominant 29. Last evaluated: 2019-06-07. Review status: criteria provided, single submitter. Criteria: Classification criteria August 2017. Collection method: clinical testing. Allele origin: germline. Inheritance: Autosomal dominant inheritance. Affected: yes. Observed: 1 heterozygote.

Principal Investigator Group 2, Tianjin Key Laboratory of Human Development and Reproductive Regulation, Tianjin Central Hospital of Gynecology and Obstetrics
Classification: Likely pathogenic for Intellectual developmental disorder, autosomal dominant 29. Review status: no assertion criteria provided. Collection method: clinical testing. Allele origin: germline. Inheritance: Autosomal dominant inheritance. Affected: yes. Not counted in ClinVar's aggregate classification.
Comment: This variant results in the 809th amino acid in SKI domain replaced by a stop codon and causes termination of the SETBP1 protein. The SETBP1 gene is of sufficient evidence for dosage pathogenicity and was absent from large population studies. This variant has been reported with Autosomal dominant inheritance (VCV000807682.2) C, and we confirmed it in a Chinese family. Additionally, the SETBP1 knock out by CRISPR/Cas9 affects forebrain progenitor expansion and neurogenic differentiation in hESC lines. In summary, the Gln809* variant meet our criteria to be classified as pathogenic based upon segregation studies, absence from controls, and functional evidence.

Literature cited by the submitters: PubMed 40144891 (cited by Ambry Genetics).

NM_015559.3(SETBP1):c.2425C>T (p.Gln809Ter)

Gene: SETBP1 (SET binding protein 1; plus strand). Cytogenetic location: 18q12.3.
Variant type: single nucleotide variant.
Coding change: c.2425C>T on transcript NM_015559.3 (MANE Select); coding-DNA position 2425, C replaced by T.
Protein change: p.Gln809Ter; replaces glutamine 809 with a stop codon.
Molecular consequence: nonsense.
Genome position (GRCh38, 1-based): chr18:44,951,765, C>T. VCF-style: chr18-44951765-C-T. GRCh37 (hg19) VCF-style: chr18-42531730-C-T.
Other names: c.2425C>T (NM_015559.2); short protein forms Q809*.
Identifiers: ClinVar variation 807682 (VCV000807682.6), dbSNP rs1599368323, ClinGen allele CA402321261.